The following is an entry in ClinVar:

NM_000548.5(TSC2):c.522G>A (p.Ser174=)

Gene: TSC2 (TSC complex subunit 2; plus strand). Cytogenetic location: 16p13.3.
Variant type: single nucleotide variant.
Coding change: c.522G>A on transcript NM_000548.5 (MANE Select); coding-DNA position 522, G replaced by A.
Protein change: p.Ser174=; no amino-acid change (serine 174 retained).
Molecular consequence: synonymous variant. On other transcripts: intron variant (1).
Genome position (GRCh38, 1-based): chr16:2,055,442, G>A. VCF-style: chr16-2055442-G-A. GRCh37 (hg19) VCF-style: chr16-2105443-G-A.
Other names: c.522G>A, p.Ser174= (NM_001077183.3, NM_001114382.3, NM_001363528.2 and 3 more transcripts); c.411G>A, p.Ser137= (NM_001318827.2); c.375G>A, p.Ser125= (NM_001318829.2); c.555G>A, p.Ser185= (NM_001318832.2); c.-1-754G>A (NM_001318831.2).
Identifiers: ClinVar variation 856671 (VCV000856671.25), dbSNP rs2085660429, ClinGen allele CA492955781.

ClinVar aggregate classification (germline): Benign/Likely benign. Review status: criteria provided, multiple submitters, no conflicts (2 of 4 stars). 4 submissions from 4 submitters: Benign (1); Likely benign (3). Last evaluated 2025-11-17.

Conditions:
Tuberous sclerosis 2 (TSC2). Identifiers: Orphanet 805, MedGen C1860707, MONDO:0013199, OMIM 613254.
Hereditary cancer-predisposing syndrome. Also called: Hereditary Cancer Syndrome; Neoplastic Syndromes, Hereditary; Tumor predisposition; Hereditary neoplastic syndrome. Identifiers: Orphanet 140162, MedGen C0027672, MeSH D009386, MONDO:0015356.

Allele frequency attached by ClinVar (database versions not stated): gnomAD below 0.00001 and 0.00001; gnomAD exomes below 0.00001.
gnomAD v4.1: 6 of 1,614,070 alleles (0.00037%); highest among the groups gnomAD compares: East Asian, 0.0022%; no homozygotes.

Submissions (4):

Labcorp Genetics (formerly Invitae), Labcorp
Classification: Likely benign for Tuberous sclerosis 2. Last evaluated: 2025-11-17. Review status: criteria provided, single submitter. Criteria: Invitae Variant Classification Sherloc (09022015). Collection method: clinical testing. Allele origin: germline.

Myriad Genetics, Inc.
Classification: Benign for Tuberous sclerosis 2. Last evaluated: 2025-05-07. Review status: criteria provided, single submitter. Criteria: Myriad Autosomal Dominant, Autosomal Recessive and X-Linked Classification Criteria (2023). Collection method: clinical testing. Allele origin: unknown.
Comment: This variant is considered benign. This variant is a silent/synonymous amino acid change and it is not expected to impact splicing.

CeGaT Center for Human Genetics Tuebingen
Classification: Likely benign. Last evaluated: 2024-11-01. Review status: criteria provided, single submitter. Criteria: CeGaT Center For Human Genetics Tuebingen Variant Classification Criteria Version 2. Collection method: clinical testing. Allele origin: germline. Affected: yes. Observed: 1 variant allele.
Comment: TSC2: BP7

Ambry Genetics
Classification: Likely benign for Hereditary cancer-predisposing syndrome. Last evaluated: 2023-06-08. Review status: criteria provided, single submitter. Criteria: Ambry Variant Classification Scheme 2023. Collection method: clinical testing. Allele origin: germline.